The following is an entry in ClinVar:

ClinVar aggregate classification (germline): Uncertain significance. Review status: criteria provided, multiple submitters, no conflicts (2 of 4 stars). 3 submissions from 3 submitters: Uncertain significance (3). Last evaluated 2024-03-06.

Conditions:
Hereditary cancer-predisposing syndrome. Also called: Hereditary Cancer Syndrome; Hereditary neoplastic syndrome; Neoplastic Syndromes, Hereditary; Tumor predisposition. Identifiers: Orphanet 140162, MedGen C0027672, MeSH D009386, MONDO:0015356.
Juvenile polyposis syndrome (JPS). Identifiers: Orphanet 2929, MedGen C0345893, MONDO:0017380, OMIM 174900.
Familial thoracic aortic aneurysm and aortic dissection (TAAD). Also called: Thoracic aortic aneurysms and dissections. Identifiers: Orphanet 91387, MedGen C4707243, MONDO:0019625.

Submissions (3):

Color Diagnostics, LLC DBA Color Health
Classification: Uncertain significance for Hereditary cancer-predisposing syndrome. Last evaluated: 2024-03-06. Review status: criteria provided, single submitter. Criteria: ACMG Guidelines, 2015. Collection method: clinical testing. Allele origin: germline.
Comment: This missense variant replaces proline with leucine at codon 472 of the SMAD4 protein. Computational prediction suggests that this variant may have deleterious impact on protein structure and function (internally defined REVEL score threshold >= 0.7, PMID: 27666373). To our knowledge, functional studies have not been reported for this variant. This variant has not been reported in individuals affected with hereditary cancer in the literature. This variant has not been identified in the general population by the Genome Aggregation Database (gnomAD). The available evidence is insufficient to determine the role of this variant in disease conclusively. Therefore, this variant is classified as a Variant of Uncertain Significance.

Labcorp Genetics (formerly Invitae), Labcorp
Classification: Uncertain significance for Juvenile polyposis syndrome. Last evaluated: 2023-06-16. Review status: criteria provided, single submitter. Criteria: Invitae Variant Classification Sherloc (09022015). Collection method: clinical testing. Allele origin: germline.
Comment: This variant is not present in population databases (gnomAD no frequency). In summary, the available evidence is currently insufficient to determine the role of this variant in disease. Therefore, it has been classified as a Variant of Uncertain Significance. Advanced modeling of protein sequence and biophysical properties (such as structural, functional, and spatial information, amino acid conservation, physicochemical variation, residue mobility, and thermodynamic stability) has been performed at Invitae for this missense variant, however the output from this modeling did not meet the statistical confidence thresholds required to predict the impact of this variant on SMAD4 protein function. ClinVar contains an entry for this variant (Variation ID: 1332436). This variant has not been reported in the literature in individuals affected with SMAD4-related conditions. This sequence change replaces proline, which is neutral and non-polar, with leucine, which is neutral and non-polar, at codon 472 of the SMAD4 protein (p.Pro472Leu).

Ambry Genetics
Classification: Uncertain significance for Hereditary cancer-predisposing syndrome; Familial thoracic aortic aneurysm and aortic dissection. Last evaluated: 2022-10-12. Review status: criteria provided, single submitter. Criteria: Ambry Variant Classification Scheme 2023. Collection method: clinical testing. Allele origin: germline.
Comment: The p.P472L variant (also known as c.1415C>T), located in coding exon 10 of the SMAD4 gene, results from a C to T substitution at nucleotide position 1415. The proline at codon 472 is replaced by leucine, an amino acid with similar properties. This amino acid position is conserved. In addition, this alteration is predicted to be deleterious by in silico analysis. Since supporting evidence is limited at this time, the clinical significance of this alteration remains unclear.

NM_005359.6(SMAD4):c.1415C>T (p.Pro472Leu)

Gene: SMAD4 (SMAD family member 4; plus strand). Cytogenetic location: 18q21.2.
Variant type: single nucleotide variant.
Coding change: c.1415C>T on transcript NM_005359.6 (MANE Select); coding-DNA position 1415, C replaced by T.
Protein change: p.Pro472Leu; replaces proline 472 with leucine.
Molecular consequence: missense variant.
Genome position (GRCh38, 1-based): chr18:51,076,744, C>T. VCF-style: chr18-51076744-C-T. GRCh37 (hg19) VCF-style: chr18-48603114-C-T.
Other names: short protein forms P472L.
Identifiers: ClinVar variation 1332436 (VCV001332436.11), dbSNP rs2144474506, ClinGen allele CA402465332.